The following is an entry in ClinVar:

NM_001177316.2(SLC34A3):c.586G>A (p.Gly196Arg)

Gene: SLC34A3 (solute carrier family 34 member 3; plus strand). Cytogenetic location: 9q34.3.
Variant type: single nucleotide variant.
Coding change: c.586G>A on transcript NM_001177316.2 (MANE Select); coding-DNA position 586, G replaced by A.
Protein change: p.Gly196Arg; replaces glycine 196 with arginine.
Molecular consequence: missense variant.
Genome position (GRCh38, 1-based): chr9:137,233,234, G>A. VCF-style: chr9-137233234-G-A. GRCh37 (hg19) VCF-style: chr9-140127686-G-A.
Other names: c.586G>A, p.Gly196Arg (NM_001177317.2, NM_080877.3); short protein forms G196R.
Identifiers: ClinVar variation 1431 (VCV000001431.46), dbSNP rs121918237, ClinGen allele CA115014.
Genomic context (GRCh38, chr9:137,233,234, plus strand): 5'-CCCCACCTGACCCTGCCCACTCTCTGCGGCCACAGGGCTTTCAGCGGCTCGGCGGTGCAC[G>A]GGATCTTCAACTGGCTCACAGTGCTGGTCCTGCTGCCACTGGAGAGCGCCACGGCCCTGC-3'
Protein context (NP_001170787.2, residues 186-206): QRAFSGSAVH[Gly196Arg]IFNWLTVLVL

ClinVar aggregate classification (germline): Pathogenic/Likely pathogenic. Review status: criteria provided, multiple submitters, no conflicts (2 of 4 stars). 11 submissions from 11 submitters: Pathogenic (7); Likely pathogenic (2). 2 of the submissions do not count toward it. Last evaluated 2026-07-01.

Conditions:
SLC34A3-related disorder. Also called: SLC34A3-related condition.
Autosomal recessive hypophosphatemic bone disease (HHRH). Also called: HYPERCALCIURIC RICKETS; Hypophosphatemic rickets with hypercalciuria. Identifiers: Orphanet 157215, MedGen C1853271, MONDO:0009431, OMIM 241530.

Allele frequency attached by ClinVar (database versions not stated): gnomAD 0.00007; ExAC 0.00008; TOPMed 0.00004.

Submissions (11):

CeGaT Center for Human Genetics Tuebingen
Classification: Pathogenic. Last evaluated: 2026-07-01. Review status: criteria provided, single submitter. Criteria: CeGaT Center For Human Genetics Tuebingen Variant Classification Criteria Version 2. Collection method: clinical testing. Allele origin: germline. Affected: yes. Observed: 5 variant alleles.
Comment: SLC34A3: PM3:Strong, PP1:Strong, PM2, PS3:Supporting, BP4

Rare Kidney Stone Consortium and the Mayo Clinic Hyperoxaluria Center, Mayo Clinic
Classification: Pathogenic for Autosomal recessive hypophosphatemic bone disease. Last evaluated: 2025-10-03. Review status: criteria provided, single submitter. Criteria: ACMG Guidelines, 2015. Collection method: research. Allele origin: germline. Affected: yes. Observed: 3 variant alleles.
Comment: ACMG:PM1, PM2, PP3, PP5

PreventionGenetics, part of Exact Sciences
Classification: Pathogenic for SLC34A3-related condition. Last evaluated: 2025-08-21. Review status: criteria provided, single submitter. Criteria: ACMG Guidelines, 2015. Collection method: clinical testing. Allele origin: germline.
Comment: The SLC34A3 c.586G>A variant is predicted to result in the amino acid substitution p.Gly196Arg. This variant was reported in the homozygous or compound heterozygous state in multiple individuals with hypophosphatemic rickets with hypercalciuria (Bergwitz et al. 2006. PubMed ID: 16358214; Patient P233 in Table S1, Hureaux et al. 2019. PubMed ID: 31672324; Stürznickel et al. 2022. PubMed ID: 35689455). Functional studies demonstrated that this variant disrupts inorganic phosphate update and cell surface localization (Haito-Sugino et al. 2011. PubMed ID: 22159077). This variant is reported in 0.020% of alleles in individuals of East Asian descent in gnomAD. This variant is interpreted as pathogenic.

Institute of Immunology and Genetics Kaiserslautern
Classification: Likely pathogenic for Autosomal recessive hypophosphatemic bone disease. Last evaluated: 2024-08-29. Review status: criteria provided, single submitter. Criteria: ACMG Guidelines, 2015. Collection method: clinical testing. Allele origin: germline. Affected: yes.
Comment: ACMG Criteria: PS3, PM2_P, PP1, PP5; Variant was found in homozygous state

Labcorp Genetics (formerly Invitae), Labcorp
Classification: Pathogenic. Last evaluated: 2024-03-02. Review status: criteria provided, single submitter. Criteria: Invitae Variant Classification Sherloc (09022015). Collection method: clinical testing. Allele origin: germline.
Comment: This sequence change replaces glycine, which is neutral and non-polar, with arginine, which is basic and polar, at codon 196 of the SLC34A3 protein (p.Gly196Arg). This variant is present in population databases (rs121918237, gnomAD 0.02%). This missense change has been observed in individual(s) with hypophosphatemic rickets (PMID: 16358214, 18523928, 26789268). In at least one individual the data is consistent with being in trans (on the opposite chromosome) from a pathogenic variant. It has also been observed to segregate with disease in related individuals. ClinVar contains an entry for this variant (Variation ID: 1431). Advanced modeling of protein sequence and biophysical properties (such as structural, functional, and spatial information, amino acid conservation, physicochemical variation, residue mobility, and thermodynamic stability) performed at Invitae indicates that this missense variant is not expected to disrupt SLC34A3 protein function with a negative predictive value of 80%. Experimental studies have shown that this missense change affects SLC34A3 function (PMID: 22159077). For these reasons, this variant has been classified as Pathogenic.

Intergen Genetics and Rare Diseases Diagnosis Center
Classification: Pathogenic for Autosomal recessive hypophosphatemic bone disease. Last evaluated: 2023-11-28. Review status: criteria provided, single submitter. Criteria: ACMG Guidelines, 2015. Collection method: clinical testing. Allele origin: germline. Inheritance: Autosomal recessive inheritance. Affected: no. Observed: 1 heterozygote.

Blueprint Genetics
Classification: Pathogenic for SLC34A3-related disorders. Last evaluated: 2023-04-13. Review status: criteria provided, single submitter. Criteria: ACMG Guidelines, 2015. Collection method: clinical testing. Allele origin: germline. Affected: yes. Observed: 2 variant alleles.

Institute for Medical Genetics and Human Genetics, Charité - Universitätsmedizin Berlin
Classification: Pathogenic for Autosomal recessive hypophosphatemic bone disease. Last evaluated: 2022-09-22. Review status: criteria provided, single submitter. Criteria: ACMG Guidelines, 2015. Collection method: clinical testing. Allele origin: germline. Inheritance: Autosomal recessive inheritance. Affected: yes. Observed: 1 compound heterozygote.

Juno Genomics, Hangzhou Juno Genomics, Inc
Classification: Likely pathogenic for Autosomal recessive hypophosphatemic bone disease. Review status: criteria provided, single submitter. Criteria: ACMG Guidelines, 2015. Collection method: clinical testing. Allele origin: germline.
Comment: Absent from controls (or at extremely low frequency if recessive) in Genome Aggregation Database.;For recessive disorders, detected in trans with a pathogenic variant.;Patient's phenotype or family history is highly specific for a disease with a single genetic etiology.;Well-established in vitro or in vivo functional studies supportive of a damaging effect on the gene or gene product.

Molecular Genetics Laboratory, Biobizkaia Health Research Institute
Classification: Pathogenic for Autosomal recessive hypophosphatemic bone disease. Last evaluated: 2024-03-08. Review status: no assertion criteria provided. Collection method: clinical testing. Allele origin: paternal. Not counted in ClinVar's aggregate classification.

OMIM
Classification: Pathogenic for HYPOPHOSPHATEMIC RICKETS WITH HYPERCALCIURIA, HEREDITARY. Last evaluated: 2006-02-01. Review status: no assertion criteria provided. Collection method: literature only. Allele origin: germline. Not counted in ClinVar's aggregate classification.

Literature cited by the submitters: PubMed 16358214 (cited by 3 submitters); PubMed 18523928 (cited by Rare Kidney Stone Consortium and the Mayo Clinic Hyperoxaluria Center, Mayo Clinic and Labcorp Genetics (formerly Invitae), Labcorp); PubMed 22159077 (cited by Rare Kidney Stone Consortium and the Mayo Clinic Hyperoxaluria Center, Mayo Clinic and Labcorp Genetics (formerly Invitae), Labcorp); PubMed 26789268 (cited by Rare Kidney Stone Consortium and the Mayo Clinic Hyperoxaluria Center, Mayo Clinic and Labcorp Genetics (formerly Invitae), Labcorp); PubMed 31589614 (cited by Rare Kidney Stone Consortium and the Mayo Clinic Hyperoxaluria Center, Mayo Clinic); PubMed 31672324 (cited by Rare Kidney Stone Consortium and the Mayo Clinic Hyperoxaluria Center, Mayo Clinic); PubMed 34426522 (cited by Rare Kidney Stone Consortium and the Mayo Clinic Hyperoxaluria Center, Mayo Clinic); PubMed 35689455 (cited by Rare Kidney Stone Consortium and the Mayo Clinic Hyperoxaluria Center, Mayo Clinic); PubMed 38586466 (cited by Rare Kidney Stone Consortium and the Mayo Clinic Hyperoxaluria Center, Mayo Clinic); PubMed 39039281 (cited by Rare Kidney Stone Consortium and the Mayo Clinic Hyperoxaluria Center, Mayo Clinic); PubMed 40794449 (cited by Rare Kidney Stone Consortium and the Mayo Clinic Hyperoxaluria Center, Mayo Clinic).